The following is an entry in ClinVar:

ClinVar aggregate classification (germline): Uncertain significance (1 of 4 stars; one submission).

gnomAD v4.1: 1 of 1,609,832 alleles (0.000062%); highest among the groups gnomAD compares: Non-Finnish European, 0.000085%; no homozygotes.

Submission:

GeneDx
Classification: Uncertain significance. Last evaluated: 2024-09-19. Review status: criteria provided, single submitter. Criteria: GeneDx Variant Classification Process June 2021. Collection method: clinical testing. Allele origin: germline. Affected: yes.
Comment: Not observed at significant frequency in large population cohorts (gnomAD); In silico analysis indicates that this missense variant does not alter protein structure/function; Has not been previously published as pathogenic or benign to our knowledge

NM_001375524.1(TRRAP):c.25G>A (p.Ala9Thr)

Gene: TRRAP (transformation/transcription domain associated protein; plus strand). Cytogenetic location: 7q22.1.
Variant type: single nucleotide variant.
Coding change: c.25G>A on transcript NM_001375524.1 (MANE Select); coding-DNA position 25, G replaced by A.
Protein change: p.Ala9Thr; replaces alanine 9 with threonine.
Molecular consequence: missense variant.
Genome position (GRCh38, 1-based): chr7:98,881,175, G>A. VCF-style: chr7-98881175-G-A. GRCh37 (hg19) VCF-style: chr7-98478798-G-A.
Other names: c.25G>A, p.Ala9Thr (NM_001244580.2, NM_003496.4); short protein forms A9T.
Identifiers: ClinVar variation 3774140 (VCV003774140.1).